The following is an entry in ClinVar:

NM_199420.4(POLQ):c.2041A>G (p.Lys681Glu)

Gene: POLQ (DNA polymerase theta; minus strand). Cytogenetic location: 3q13.33.
Variant type: single nucleotide variant.
Coding change: c.2041A>G on transcript NM_199420.4 (MANE Select); coding-DNA position 2041, A replaced by G.
Protein change: p.Lys681Glu; replaces lysine 681 with glutamic acid.
Molecular consequence: missense variant.
Genome position (GRCh38, 1-based): chr3:121,498,589, T>C on the plus strand (A>G on the coding strand, the complement: POLQ is on the minus strand). VCF-style: chr3-121498589-T-C. GRCh37 (hg19) VCF-style: chr3-121217436-T-C.
Other names: short protein forms K681E.
Identifiers: ClinVar variation 1784908 (VCV001784908.2), dbSNP rs2546794776, ClinGen allele CA354110528.

ClinVar aggregate classification (germline): Uncertain significance (1 of 4 stars; one submission).

Allele frequency attached by ClinVar (database versions not stated): gnomAD exomes below 0.00001.
gnomAD v4.1: 4 of 1,613,884 alleles (0.00025%); highest among the groups gnomAD compares: Non-Finnish European, 0.00034%; no homozygotes.

Submission:

Ambry Genetics
Classification: Uncertain significance. Last evaluated: 2022-08-07. Review status: criteria provided, single submitter. Criteria: Ambry Variant Classification Scheme 2023. Collection method: clinical testing. Allele origin: germline.
Comment: The p.K681E variant (also known as c.2041A>G), located in coding exon 13 of the POLQ gene, results from an A to G substitution at nucleotide position 2041. The lysine at codon 681 is replaced by glutamic acid, an amino acid with similar properties. This amino acid position is conserved. In addition, the in silico prediction for this alteration is inconclusive. Since supporting evidence is limited at this time, the clinical significance of this alteration remains unclear.